The following is an entry in ClinVar:

NM_001032283.3(TMPO):c.565+2102C>G

Gene: TMPO (thymopoietin; plus strand). Cytogenetic location: 12q23.1.
Variant type: single nucleotide variant.
Coding change: c.565+2102C>G on transcript NM_001032283.3 (MANE Select); 2102 bases into the intron after coding-DNA position 565, C replaced by G.
Molecular consequence: intron variant. On other transcripts: missense variant (1).
Genome position (GRCh38, 1-based): chr12:98,533,940, C>G. VCF-style: chr12-98533940-C-G. GRCh37 (hg19) VCF-style: chr12-98927718-C-G.
Other names: c.1683C>G, p.Cys561Trp (NM_003276.2); c.565+2102C>G (NM_001307975.2, NM_001032284.3); short protein forms C561W.
Identifiers: ClinVar variation 1210913 (VCV001210913.16), dbSNP rs764177808, ClinGen allele CA6732462.

ClinVar aggregate classification (germline): Conflicting classifications of pathogenicity. Review status: criteria provided, conflicting classifications (1 of 4 stars). 3 submissions from 3 submitters: Uncertain significance (2); Likely benign (1). Last evaluated 2025-12-01.

Conditions:
Loeys-Dietz syndrome 2 (LDS2). Also called: Marfan Syndrome type 2; Marfan like connective tissue disorder; MFS 2; Marfan syndrome, type 2 (formerly); AORTIC ANEURYSM, FAMILIAL THORACIC 3; MARFAN SYNDROME, TYPE II. Identifiers: Orphanet 284973, Orphanet 558, MedGen C2674574, MONDO:0012427, OMIM 610168.

Allele frequency attached by ClinVar (database versions not stated): TOPMed 0.00002; gnomAD 0.00007.
gnomAD v4.1: 67 of 1,613,886 alleles (0.0042%); highest among the groups gnomAD compares: Admixed American, 0.0067%; no homozygotes.

Submissions (3):

Labcorp Genetics (formerly Invitae), Labcorp
Classification: Uncertain significance for Loeys-Dietz syndrome 2. Last evaluated: 2025-12-01. Review status: criteria provided, single submitter. Criteria: Invitae Variant Classification Sherloc (09022015). Collection method: clinical testing. Allele origin: germline.
Comment: This sequence change replaces cysteine, which is neutral and slightly polar, with tryptophan, which is neutral and slightly polar, at codon 561 of the TMPO protein (p.Cys561Trp). This variant is present in population databases (rs764177808, gnomAD 0.06%), and has an allele count higher than expected for a pathogenic variant. This variant has not been reported in the literature in individuals affected with TMPO-related conditions. ClinVar contains an entry for this variant (Variation ID: 1210913). Invitae Evidence Modeling of protein sequence and biophysical properties (such as structural, functional, and spatial information, amino acid conservation, physicochemical variation, residue mobility, and thermodynamic stability) indicates that this missense variant is not expected to disrupt TMPO protein function with a negative predictive value of 80%. In summary, the available evidence is currently insufficient to determine the role of this variant in disease. Therefore, it has been classified as a Variant of Uncertain Significance.

GeneDx
Classification: Uncertain significance. Last evaluated: 2025-02-18. Review status: criteria provided, single submitter. Criteria: GeneDx Variant Classification Process June 2021. Collection method: clinical testing. Allele origin: germline. Affected: yes.
Comment: Has not been previously published as pathogenic or benign to our knowledge; In silico analysis indicates that this missense variant does not alter protein structure/function

Ambry Genetics
Classification: Likely benign. Last evaluated: 2022-11-20. Review status: criteria provided, single submitter. Criteria: Ambry Variant Classification Scheme 2023. Collection method: clinical testing. Allele origin: germline.